The following is an entry in ClinVar:

ClinVar aggregate classification (germline): Uncertain significance (1 of 4 stars; one submission).

Conditions:
Hereditary spastic paraplegia 45. Also called: Spastic paraplegia 45, autosomal recessive; SPASTIC PARAPLEGIA 45. Identifiers: Orphanet 320396, MedGen C3888209, MONDO:0013165, OMIM 613162.

Allele frequency attached by ClinVar (database versions not stated): ExAC 0.00001.

Submission:

Labcorp Genetics (formerly Invitae), Labcorp
Classification: Uncertain significance for Hereditary spastic paraplegia 45. Last evaluated: 2022-06-14. Review status: criteria provided, single submitter. Criteria: Invitae Variant Classification Sherloc (09022015). Collection method: clinical testing. Allele origin: germline.
Comment: Algorithms developed to predict the effect of missense changes on protein structure and function (SIFT, PolyPhen-2, Align-GVGD) all suggest that this variant is likely to be tolerated. In summary, the available evidence is currently insufficient to determine the role of this variant in disease. Therefore, it has been classified as a Variant of Uncertain Significance. This variant has not been reported in the literature in individuals affected with NT5C2-related conditions. This variant is not present in population databases (gnomAD no frequency). This sequence change replaces serine, which is neutral and polar, with proline, which is neutral and non-polar, at codon 93 of the NT5C2 protein (p.Ser93Pro).

NM_001351169.2(NT5C2):c.277T>C (p.Ser93Pro)

Gene: NT5C2 (5'-nucleotidase, cytosolic II; minus strand). Cytogenetic location: 10q24.33.
Variant type: single nucleotide variant.
Coding change: c.277T>C on transcript NM_001351169.2 (MANE Select); coding-DNA position 277, T replaced by C.
Protein change: p.Ser93Pro; replaces serine 93 with proline.
Molecular consequence: missense variant. On other transcripts: 5 prime UTR variant (22).
Genome position (GRCh38, 1-based): chr10:103,106,605, A>G on the plus strand (T>C on the coding strand, the complement: NT5C2 is on the minus strand). VCF-style: chr10-103106605-A-G. GRCh37 (hg19) VCF-style: chr10-104866362-A-G.
Other names: c.277T>C, p.Ser93Pro (NM_001134373.3, NM_001351170.2, NM_001351171.2 and 3 more transcripts); c.190T>C, p.Ser64Pro (NM_001351174.1); c.184T>C, p.Ser62Pro (NM_001351175.2); c.-297T>C (NM_001351176.2, NM_001351177.2, NM_001351183.2 and 2 more transcripts); c.-321T>C (NM_001351178.2, NM_001351193.1); c.-489T>C (NM_001351179.2, NM_001351180.2, NM_001351182.2 and 3 more transcripts); c.-205T>C (NM_001351181.2, NM_001351191.1); c.-510T>C (NM_001351185.2); and 5 more; short protein forms S62P, S64P, S93P.
Identifiers: ClinVar variation 2065823 (VCV002065823.4), dbSNP rs755875749, ClinGen allele CA5671148.